The following is an entry in ClinVar:

ClinVar aggregate classification (germline): Pathogenic. Review status: criteria provided, multiple submitters, no conflicts (2 of 4 stars). 3 submissions from 3 submitters: Pathogenic (3). Last evaluated 2019-02-08.

Conditions:
Familial X-linked hypophosphatemic vitamin D refractory rickets (XLHRD). Also called: X-Linked Hypophosphatemia; Hypophosphatemic Rickets, X-Linked Dominant; HYPOPHOSPHATEMIC VITAMIN D-RESISTANT RICKETS; Hypophosphatemia, vitamin D-resistant rickets; Vitamin D-resistant rickets, X-linked. Identifiers: Orphanet 89936, MedGen C0733682, MONDO:0010619, OMIM 307800.

Submissions (3):

Athena Diagnostics
Classification: Pathogenic. Last evaluated: 2019-02-08. Review status: criteria provided, single submitter. Criteria: Athena Diagnostics Criteria. Collection method: clinical testing. Allele origin: germline.
Comment: The variant disrupts a canonical splice site, and is therefore predicted to result in the loss of a functional protein. Found in at least one symptomatic patient, and not found in general population data.

GeneDx
Classification: Pathogenic. Last evaluated: 2016-05-17. Review status: criteria provided, single submitter. Criteria: GeneDx Variant Classification (06012015). Collection method: clinical testing. Allele origin: germline. Affected: yes.
Comment: The c.118+1 G>T splice site variant in the PHEX gene destroys the canonical splice donor site inintron 1. It is predicted to cause abnormal gene splicing, either leading to an abnormal message that issubject to nonsense-mediated mRNA decay, or to an abnormal protein product if the message is usedfor protein translation. The c.118+1 G>T variant was not observed in approximately 6,500individuals of European and African American ancestry in the NHLBI Exome Sequencing Project,indicating it is not a common benign variant in these populations Although this varianthas not been previously reported to our knowledge, we interpret it as pathogenic.

Institute of Human Genetics Munich, TUM University Hospital
Classification: Pathogenic for Familial X-linked hypophosphatemic vitamin D refractory rickets. Last evaluated: 2013-11-06. Review status: criteria provided, single submitter. Criteria: Classification criteria August 2017. Collection method: clinical testing. Allele origin: germline. Inheritance: X-linked inheritance. Affected: yes. Observed: 1 heterozygote.

NM_000444.6(PHEX):c.118+1G>T

Gene: PHEX (phosphate regulating endopeptidase X-linked; plus strand). Cytogenetic location: Xp22.11.
Variant type: single nucleotide variant.
Coding change: c.118+1G>T on transcript NM_000444.6 (MANE Select); the canonical splice donor site of the intron after coding-DNA position 118, G replaced by T.
Molecular consequence: splice donor variant.
Genome position (GRCh38, 1-based): chrX:22,033,124, G>T. VCF-style: chrX-22033124-G-T. GRCh37 (hg19) VCF-style: chrX-22051242-G-T.
Other names: c.118+1G>T (NM_001282754.2).
Identifiers: ClinVar variation 430012 (VCV000430012.5), dbSNP rs1131691731, ClinGen allele CA412564385.